The following is an entry in ClinVar:

ClinVar aggregate classification (germline): Pathogenic (1 of 4 stars; one submission).

Conditions:
Cardiovascular phenotype. Identifiers: MedGen CN230736.
Hereditary cancer-predisposing syndrome. Also called: Neoplastic Syndromes, Hereditary; Tumor predisposition; Hereditary Cancer Syndrome; Hereditary neoplastic syndrome. Identifiers: Orphanet 140162, MedGen C0027672, MeSH D009386, MONDO:0015356.

Submission:

Ambry Genetics
Classification: Pathogenic for Cardiovascular phenotype; Hereditary cancer-predisposing syndrome. Last evaluated: 2025-10-10. Review status: criteria provided, single submitter. Criteria: Ambry Variant Classification Scheme 2023. Collection method: clinical testing. Allele origin: germline.
Comment: The c.4415_4418dupATCA pathogenic mutation, located in coding exon 33 of the NF1 gene, results from a duplication of ATCA at nucleotide position 4415, causing a translational frameshift with a predicted alternate stop codon (p.H1473Qfs*3). This variant is considered to be rare based on population cohorts in the Genome Aggregation Database (gnomAD). This alteration is expected to result in loss of function by premature protein truncation or nonsense-mediated mRNA decay. As such, this alteration is interpreted as a disease-causing mutation.

NM_001042492.3(NF1):c.4478_4481dup (p.His1494fs)

Gene: NF1 (neurofibromin 1; plus strand). Cytogenetic location: 17q11.2.
Variant type: Duplication.
Coding change: c.4478_4481dup on transcript NM_001042492.3 (MANE Select); coding-DNA positions 4478 to 4481, 4 bases duplicated (ATCA; older notation c.4478_4481dupATCA).
Protein change: p.His1494fs; shifts the reading frame from histidine 1494.
Molecular consequence: frameshift variant.
Genome position (GRCh38, 1-based): chr17:31,260,416-31,260,419, ATCA duplicated; duplicating any 4 consecutive bases within chr17:31,260,415-31,260,419 gives the same sequence; the c. name uses the placement nearest the transcript's 3' end. VCF-style (leftmost placement, unchanged base first): chr17-31260414-A-AAATC. GRCh37 (hg19) VCF-style: chr17-29587432-A-AAATC.
Other names: c.4415_4418dup, p.His1473fs (NM_000267.4); c.4415_4418dupATCA (NM_000267.3); short protein forms H1473fs, H1494fs.
Identifiers: ClinVar variation 4615731 (VCV004615731.1).
Genomic context (GRCh38, chr17:31,260,414, plus strand): 5'-TTTGCATTTTTGAAGGTTTTTCCTTGATATAGCATCTGATTGTCCTACAAGTGATGCAGT[A>AAATC]AATCATAGTCTTTCCTTCATAAGTGACGGCAATGTGCTTGCTTTACATCGTCTACTCTGG-3'